The following is an entry in ClinVar:

ClinVar aggregate classification (germline): Uncertain significance (1 of 4 stars; one submission).

Conditions:
Neurodevelopmental disorder with hypotonia, stereotypic hand movements, and impaired language. Also called: Intellectual disability, autosomal dominant 20. Identifiers: Orphanet 228384, Orphanet 664410, MedGen C3150700, MONDO:0013266, OMIM 613443.

Submission:

Labcorp Genetics (formerly Invitae), Labcorp
Classification: Uncertain significance for Neurodevelopmental disorder with hypotonia, stereotypic hand movements, and impaired language. Last evaluated: 2021-04-24. Review status: criteria provided, single submitter. Criteria: Invitae Variant Classification Sherloc (09022015). Collection method: clinical testing. Allele origin: germline.
Comment: This variant has not been reported in the literature in individuals with MEF2C-related conditions. This sequence change replaces leucine with phenylalanine at codon 133 of the MEF2C protein (p.Leu133Phe). The leucine residue is moderately conserved and there is a small physicochemical difference between leucine and phenylalanine. This variant is not present in population databases (ExAC no frequency). Algorithms developed to predict the effect of missense changes on protein structure and function are either unavailable or do not agree on the potential impact of this missense change (SIFT: "Deleterious"; PolyPhen-2: "Benign"; Align-GVGD: "Class C0"). In summary, the available evidence is currently insufficient to determine the role of this variant in disease. Therefore, it has been classified as a Variant of Uncertain Significance.

NM_002397.5(MEF2C):c.399G>T (p.Leu133Phe)

Gene: MEF2C (myocyte enhancer factor 2C; minus strand). Cytogenetic location: 5q14.3.
Variant type: single nucleotide variant.
Coding change: c.399G>T on transcript NM_002397.5 (MANE Select); coding-DNA position 399, G replaced by T.
Protein change: p.Leu133Phe; replaces leucine 133 with phenylalanine.
Molecular consequence: missense variant. On other transcripts: intron variant (12).
Genome position (GRCh38, 1-based): chr5:88,761,188, C>A on the plus strand (G>T on the coding strand, the complement: MEF2C is on the minus strand). VCF-style: chr5-88761188-C-A. GRCh37 (hg19) VCF-style: chr5-88057005-C-A.
Other names: c.399G>T, p.Leu133Phe (NM_001193350.2, NM_001308002.3, NM_001363581.2 and 18 more transcripts); c.21G>T, p.Leu7Phe (NM_001364353.2, NM_001364356.2); c.259-9145G>T (NM_001364344.2, NM_001364354.2, NM_001364332.2 and 3 more transcripts); c.259-63G>T (NM_001131005.2, NM_001364352.2, NM_001364343.2); c.319-63G>T (NM_001193347.1, NM_001364338.2); c.-24-9145G>T (NM_001364357.2); short protein forms L7F, L133F.
Identifiers: ClinVar variation 1423976 (VCV001423976.8), dbSNP rs2152673081, ClinGen allele CA360424411.